The following is an entry in ClinVar:

NM_017763.6(RNF43):c.583-17C>T

Gene: RNF43 (ring finger protein 43; minus strand). Cytogenetic location: 17q22.
Variant type: single nucleotide variant.
Coding change: c.583-17C>T on transcript NM_017763.6 (MANE Select); 17 bases into the intron before coding-DNA position 583, C replaced by T.
Molecular consequence: intron variant.
Genome position (GRCh38, 1-based): chr17:58,362,665, G>A on the plus strand (C>T on the coding strand, the complement: RNF43 is on the minus strand). VCF-style: chr17-58362665-G-A. GRCh37 (hg19) VCF-style: chr17-56440026-G-A.
Other names: c.583-17C>T (NM_001438822.1, NM_001305544.3, NM_001438820.1 and 1 more transcripts); c.202-17C>T (NM_001305545.2, NM_001437987.1).
Identifiers: ClinVar variation 4875904 (VCV004875904.1).

ClinVar aggregate classification (germline): Likely benign (1 of 4 stars; one submission).

Conditions:
Sessile serrated polyposis cancer syndrome (SSPCS). Identifiers: Orphanet 157798, MedGen C4310714, MONDO:0014919, OMIM 617108.

Submission:

Myriad Genetics, Inc.
Classification: Likely benign for Sessile serrated polyposis cancer syndrome. Last evaluated: 2026-06-26. Review status: criteria provided, single submitter. Criteria: Myriad Autosomal Dominant, Autosomal Recessive and X-Linked Classification Criteria (2023). Collection method: clinical testing. Allele origin: unknown.
Comment: This variant is considered likely benign. This variant is intronic and is not expected to impact mRNA splicing.